The following is an entry in ClinVar:

ClinVar aggregate classification (germline): Uncertain significance (1 of 4 stars; one submission).

gnomAD v4.1: 7 of 1,612,872 alleles (0.00043%); highest among the groups gnomAD compares: Non-Finnish European, 0.00051%; no homozygotes.

Submission:

Labcorp Genetics (formerly Invitae), Labcorp
Classification: Uncertain significance. Last evaluated: 2023-06-04. Review status: criteria provided, single submitter. Criteria: Invitae Variant Classification Sherloc (09022015). Collection method: clinical testing. Allele origin: germline.
Comment: This variant is present in population databases (no rsID available, gnomAD no frequency). In summary, the available evidence is currently insufficient to determine the role of this variant in disease. Therefore, it has been classified as a Variant of Uncertain Significance. This variant has not been reported in the literature in individuals affected with AK7-related conditions. Advanced modeling of protein sequence and biophysical properties (such as structural, functional, and spatial information, amino acid conservation, physicochemical variation, residue mobility, and thermodynamic stability) performed at Invitae indicates that this missense variant is not expected to disrupt AK7 protein function. This sequence change replaces threonine, which is neutral and polar, with methionine, which is neutral and non-polar, at codon 96 of the AK7 protein (p.Thr96Met).

NM_152327.5(AK7):c.287C>T (p.Thr96Met)

Gene: AK7 (adenylate kinase 7; plus strand). Cytogenetic location: 14q32.2.
Variant type: single nucleotide variant.
Coding change: c.287C>T on transcript NM_152327.5 (MANE Select); coding-DNA position 287, C replaced by T.
Protein change: p.Thr96Met; replaces threonine 96 with methionine.
Molecular consequence: missense variant.
Genome position (GRCh38, 1-based): chr14:96,398,256, C>T. VCF-style: chr14-96398256-C-T. GRCh37 (hg19) VCF-style: chr14-96864593-C-T.
Other names: c.287C>T, p.Thr96Met (NM_001350888.2, NM_001350890.2, NM_001350891.2 and 1 more transcripts); short protein forms T96M.
Identifiers: ClinVar variation 3005862 (VCV003005862.3), dbSNP rs780592470, ClinGen allele CA390914387.